The following is an entry in ClinVar:

ClinVar aggregate classification (germline): Uncertain significance (1 of 4 stars; one submission).

Conditions:
Tietz syndrome (TADS). Also called: ALBINISM-DEAFNESS OF TIETZ; TIETZ ALBINISM-DEAFNESS SYNDROME; HYPOPIGMENTATION/DEAFNESS OF TIETZ. Identifiers: Orphanet 42665, MedGen C0391816, MONDO:0007077, OMIM 103500.
Waardenburg syndrome type 2A (WS2A). Also called: WAARDENBURG SYNDROME WITHOUT DYSTOPIA CANTHORUM. Identifiers: Orphanet 3440, MedGen C1860339, MONDO:0008671, OMIM 193510.
Melanoma, cutaneous malignant, susceptibility to, 8. Also called: Cutaneous malignant melanoma 8; MELANOMA AND RENAL CELL CARCINOMA, SUSCEPTIBILITY TO. Identifiers: Orphanet 293822, MedGen C3152204, MONDO:0013759, OMIM 614456.

Allele frequency attached by ClinVar (database versions not stated): gnomAD 0.00001; gnomAD exomes 0.00001; TOPMed 0.00001; ExAC 0.00002.
gnomAD v4.1: 15 of 1,613,062 alleles (0.00093%); highest among the groups gnomAD compares: Admixed American, 0.0033%; no homozygotes.

Submission:

Labcorp Genetics (formerly Invitae), Labcorp
Classification: Uncertain significance for Melanoma, cutaneous malignant, susceptibility to, 8; Waardenburg syndrome type 2A; Tietz syndrome. Last evaluated: 2025-11-03. Review status: criteria provided, single submitter. Criteria: Invitae Variant Classification Sherloc (09022015). Collection method: clinical testing. Allele origin: germline.
Comment: This sequence change replaces tyrosine, which is neutral and polar, with cysteine, which is neutral and slightly polar, at codon 10 of the MITF protein (p.Tyr10Cys). This variant is present in population databases (rs777021150, gnomAD 0.003%). This variant has not been reported in the literature in individuals affected with MITF-related conditions. ClinVar contains an entry for this variant (Variation ID: 2071751). Invitae Evidence Modeling of protein sequence and biophysical properties (such as structural, functional, and spatial information, amino acid conservation, physicochemical variation, residue mobility, and thermodynamic stability) indicates that this missense variant is expected to disrupt MITF protein function with a positive predictive value of 80%. In summary, the available evidence is currently insufficient to determine the role of this variant in disease. Therefore, it has been classified as a Variant of Uncertain Significance.

NM_000248.4(MITF):c.29A>G (p.Tyr10Cys)

Gene: MITF (melanocyte inducing transcription factor; plus strand). Cytogenetic location: 3p13.
Variant type: single nucleotide variant.
Coding change: c.29A>G on transcript NM_000248.4 (MANE Plus Clinical); coding-DNA position 29, A replaced by G.
Protein change: p.Tyr10Cys; replaces tyrosine 10 with cysteine.
Molecular consequence: missense variant. On other transcripts: intron variant (9).
Genome position (GRCh38, 1-based): chr3:69,936,751, A>G. VCF-style: chr3-69936751-A-G. GRCh37 (hg19) VCF-style: chr3-69985902-A-G.
Other names: c.29A>G, p.Tyr10Cys (NM_001184968.2, NM_198158.3, NM_198178.3); c.304-1071A>G (NM_001354607.2); c.199-1071A>G (NM_001354608.2, NM_001184967.2); c.355-1071A>G (NM_001354604.2, NM_198159.3); c.352-1071A>G (NM_001354605.2, NM_001354606.2, NM_006722.3); c.307-1071A>G (NM_198177.3); short protein forms Y10C.
Identifiers: ClinVar variation 2071751 (VCV002071751.3), dbSNP rs777021150, ClinGen allele CA2490327.